The following is an entry in ClinVar:

NM_000069.3(CACNA1S):c.1862A>G (p.Tyr621Cys)

Gene: CACNA1S (calcium voltage-gated channel subunit alpha1 S; minus strand). Cytogenetic location: 1q32.1.
Variant type: single nucleotide variant.
Coding change: c.1862A>G on transcript NM_000069.3 (MANE Select); coding-DNA position 1862, A replaced by G.
Protein change: p.Tyr621Cys; replaces tyrosine 621 with cysteine.
Molecular consequence: missense variant.
Genome position (GRCh38, 1-based): chr1:201,075,581, T>C on the plus strand (A>G on the coding strand, the complement: CACNA1S is on the minus strand). VCF-style: chr1-201075581-T-C. GRCh37 (hg19) VCF-style: chr1-201044709-T-C.
Other names: short protein forms Y621C.
Identifiers: ClinVar variation 3069393 (VCV003069393.5), dbSNP rs771222143, ClinGen allele CA078631.

ClinVar aggregate classification (germline): Uncertain significance. Review status: criteria provided, multiple submitters, no conflicts (2 of 4 stars). 4 submissions from 4 submitters: Uncertain significance (4). Last evaluated 2026-01-27.

Conditions:
Malignant hyperthermia, susceptibility to, 5 (MHS5). Also called: CACNA1S-Related Malignant Hyperthermia Susceptibility. Identifiers: Orphanet 423, MedGen C1866077, MONDO:0011163, OMIM 601887.
Congenital myopathy 18. Also called: DIHYDROPYRIDINE RECEPTOR CONGENITAL MYOPATHY; DHPR CONGENITAL MYOPATHY; Myopathy, congenital, due to dihydropyridine receptor defect. Identifiers: MedGen C5830283, MONDO:0859514, OMIM 620246.
Thyrotoxic periodic paralysis, susceptibility to, 1 (TTPP1). Identifiers: Orphanet 79102, MedGen C2749982, MONDO:0008570, OMIM 188580.
Hypokalemic periodic paralysis, type 1. Also called: Hypokalemic Periodic Paralysis Type 1 (AD); HypoPP. Identifiers: Orphanet 681, MedGen C3714580, MONDO:0042979, OMIM 170400.

Allele frequency attached by ClinVar (database versions not stated): gnomAD exomes 0.00001; ExAC 0.00002.
gnomAD v4.1: 7 of 1,614,120 alleles (0.00043%); highest among the groups gnomAD compares: Admixed American, 0.0017%; no homozygotes.

Submissions (4):

Labcorp Genetics (formerly Invitae), Labcorp
Classification: Uncertain significance for Hypokalemic periodic paralysis, type 1; Malignant hyperthermia, susceptibility to, 5. Last evaluated: 2026-01-27. Review status: criteria provided, single submitter. Criteria: Invitae Variant Classification Sherloc (09022015). Collection method: clinical testing. Allele origin: germline.
Comment: This sequence change replaces tyrosine, which is neutral and polar, with cysteine, which is neutral and slightly polar, at codon 621 of the CACNA1S protein (p.Tyr621Cys). This variant is present in population databases (rs771222143, gnomAD 0.003%). This missense change has been observed in individual(s) with CACNA1S-related conditions (PMID: 37510298). ClinVar contains an entry for this variant (Variation ID: 3069393). Invitae Evidence Modeling of protein sequence and biophysical properties (such as structural, functional, and spatial information, amino acid conservation, physicochemical variation, residue mobility, and thermodynamic stability) has been performed for this missense variant. However, the output from this modeling did not meet the statistical confidence thresholds required to predict the impact of this variant on CACNA1S protein function. In summary, the available evidence is currently insufficient to determine the role of this variant in disease. Therefore, it has been classified as a Variant of Uncertain Significance.

All of Us Research Program, National Institutes of Health
Classification: Uncertain significance for Malignant hyperthermia, susceptibility to, 5. Last evaluated: 2024-07-20. Review status: criteria provided, single submitter. Criteria: ACMG Guidelines, 2015. Collection method: clinical testing. Allele origin: germline. Inheritance: Autosomal dominant inheritance. Observed: 3 variant alleles, 3 heterozygotes.
Comment: This missense variant replaces tyrosine with cysteine at codon 621 of the CACNA1S protein. Computational prediction suggests that this variant may have deleterious impact on protein structure and function (internally defined REVEL score threshold >= 0.7, PMID: 27666373). To our knowledge, functional studies have not been reported for this variant. This variant has not been reported in individuals affected with malignant hyperthermia in the literature. This variant has been identified in 4/251490 chromosomes in the general population by the Genome Aggregation Database (gnomAD). The available evidence is insufficient to determine the role of this variant in disease conclusively. Therefore, this variant is classified as a Variant of Uncertain Significance.

This study involves interpretation of variants in research participants for the purpose of population health screening. Participant phenotype was not available at the time of variant classification. Additional details can be found in publication PMID: 35346344, PMCID: PMC8962531

Fulgent Genetics
Classification: Uncertain significance for Hypokalemic periodic paralysis, type 1; Thyrotoxic periodic paralysis, susceptibility to, 1; Malignant hyperthermia, susceptibility to, 5; Congenital myopathy 18. Last evaluated: 2024-03-16. Review status: criteria provided, single submitter. Criteria: ACMG Guidelines, 2015. Collection method: clinical testing. Allele origin: germline.

Color Diagnostics, LLC DBA Color Health
Classification: Uncertain significance for Malignant hyperthermia, susceptibility to, 5. Last evaluated: 2024-03-06. Review status: criteria provided, single submitter. Criteria: ACMG Guidelines, 2015. Collection method: clinical testing. Allele origin: germline.
Comment: This missense variant replaces tyrosine with cysteine at codon 621 of the CACNA1S protein. Computational prediction suggests that this variant may have deleterious impact on protein structure and function. To our knowledge, functional studies have not been reported for this variant. This variant has not been reported in individuals affected with malignant hyperthermia in the literature. This variant has been identified in 4/251490 chromosomes in the general population by the Genome Aggregation Database (gnomAD). The available evidence is insufficient to determine the role of this variant in disease conclusively. Therefore, this variant is classified as a Variant of Uncertain Significance.

Literature cited by the submitters: PubMed 37510298 (cited by Labcorp Genetics (formerly Invitae), Labcorp).